The following is an entry in ClinVar:

NM_001792.5(CDH2):c.2665G>A (p.Asp889Asn)

Genes: CDH2 (cadherin 2; minus strand), CDH2-AS1 (CDH2 antisense RNA 1; plus strand). Cytogenetic location: 18q12.1.
Variant type: single nucleotide variant.
Coding change: c.2665G>A on transcript NM_001792.5 (MANE Select); coding-DNA position 2665, G replaced by A.
Protein change: p.Asp889Asn; replaces aspartic acid 889 with asparagine.
Molecular consequence: missense variant.
Genome position (GRCh38, 1-based): chr18:27,952,209, C>T on the plus strand (G>A on the coding strand, the complement: CDH2 is on the minus strand). VCF-style: chr18-27952209-C-T. GRCh37 (hg19) VCF-style: chr18-25532173-C-T.
Other names: c.2572G>A, p.Asp858Asn (NM_001308176.2); c.2665G>A (NM_001792.3); short protein forms D858N, D889N.
Identifiers: ClinVar variation 1427862 (VCV001427862.33), dbSNP rs200373316, ClinGen allele CA8923094.

ClinVar aggregate classification (germline): Uncertain significance. Review status: criteria provided, multiple submitters, no conflicts (2 of 4 stars). 4 submissions from 4 submitters: Uncertain significance (4). Last evaluated 2026-08-06.

Conditions:
Attention deficit-hyperactivity disorder 8 (ADHD8). Identifiers: MedGen C5677018, MONDO:0859261, OMIM 619957.
Inborn genetic diseases. Identifiers: MedGen C0950123, MeSH D030342.

Allele frequency attached by ClinVar (database versions not stated): ExAC 0.00003; gnomAD exomes 0.00003 and 0.00013; gnomAD 0.00004 and 0.00005; ESP Exome Variant Server 0.00008.
gnomAD v4.1: 190 of 1,613,570 alleles (0.012%); highest among the groups gnomAD compares: Non-Finnish European, 0.015%; no homozygotes.

Submissions (4):

OLLIN Analises Genomicas, OLLIN
Classification: Uncertain significance for Attention deficit-hyperactivity disorder 8. Last evaluated: 2026-08-06. Review status: criteria provided, single submitter. Criteria: ACMG Guidelines 2015 PMID 25741868. Collection method: clinical testing. Allele origin: germline. Inheritance: Autosomal recessive inheritance.
Comment: This missense variant, located in exon 16 (of 16), has been reported in ClinVar (accession VCV001427862.31) and in gnomAD with an allele frequency of 0.012%. However, to our knowledge, it has not been reported in the scientific literature. In silico analysis is inconclusive regarding the impact of this variant. According to the currently available evidence, this variant has been classified as uncertain significance (PM2_P).

Labcorp Genetics (formerly Invitae), Labcorp
Classification: Uncertain significance. Last evaluated: 2026-02-03. Review status: criteria provided, single submitter. Criteria: Invitae Variant Classification Sherloc (09022015). Collection method: clinical testing. Allele origin: germline.
Comment: This sequence change replaces aspartic acid, which is acidic and polar, with asparagine, which is neutral and polar, at codon 889 of the CDH2 protein (p.Asp889Asn). This variant is present in population databases (rs200373316, gnomAD 0.006%). This variant has not been reported in the literature in individuals affected with CDH2-related conditions. ClinVar contains an entry for this variant (Variation ID: 1427862). An algorithm developed to predict the effect of missense changes on protein structure and function (PolyPhen-2) suggests that this variant is likely to be disruptive. In summary, the available evidence is currently insufficient to determine the role of this variant in disease. Therefore, it has been classified as a Variant of Uncertain Significance.

CeGaT Center for Human Genetics Tuebingen
Classification: Uncertain significance. Last evaluated: 2023-02-01. Review status: criteria provided, single submitter. Criteria: CeGaT Center For Human Genetics Tuebingen Variant Classification Criteria Version 2. Collection method: clinical testing. Allele origin: germline. Affected: yes. Observed: 1 variant allele.
Comment: CDH2: PP3

Ambry Genetics
Classification: Uncertain significance for Inborn genetic diseases. Last evaluated: 2020-12-01. Review status: criteria provided, single submitter. Criteria: Ambry Variant Classification Scheme 2023. Collection method: clinical testing. Allele origin: germline.